The following is an entry in ClinVar:

ClinVar aggregate classification (germline): Uncertain significance (0 of 4 stars; one submission).

Conditions:
SLC51B-related disorder. Also called: SLC51B-related condition.

Submission:

PreventionGenetics, part of Exact Sciences
Classification: Uncertain significance for SLC51B-related condition. Last evaluated: 2024-02-28. Review status: no assertion criteria provided. Collection method: clinical testing. Allele origin: germline.
Comment: The SLC51B c.230T>C variant is predicted to result in the amino acid substitution p.Val77Ala. To our knowledge, this variant has not been reported in the literature or in a large population database, indicating this variant is rare. At this time, the clinical significance of this variant is uncertain due to the absence of conclusive functional and genetic evidence.

NM_178859.4(SLC51B):c.230T>C (p.Val77Ala)

Genes: RASL12 (RAS like family 12; minus strand), SLC51B (SLC51 subunit beta; plus strand). Cytogenetic location: 15q22.31.
Variant type: single nucleotide variant.
Coding change: c.230T>C on transcript NM_178859.4 (MANE Select); coding-DNA position 230, T replaced by C.
Protein change: p.Val77Ala; replaces valine 77 with alanine.
Molecular consequence: missense variant.
Genome position (GRCh38, 1-based): chr15:65,053,007, T>C. VCF-style: chr15-65053007-T-C. GRCh37 (hg19) VCF-style: chr15-65345345-T-C.
Other names: short protein forms V77A.
Identifiers: ClinVar variation 3061220 (VCV003061220.2), dbSNP rs2506191524, ClinGen allele CA392842463.